The following is an entry in ClinVar:

ClinVar aggregate classification (germline): Uncertain significance (1 of 4 stars; one submission).

Submission:

GeneDx
Classification: Uncertain significance. Last evaluated: 2026-08-03. Review status: criteria provided, single submitter. Criteria: GeneDx Variant Classification Process June 2021. Collection method: clinical testing. Allele origin: germline.
Comment: Not observed at significant frequency in large population cohorts (gnomAD); In-frame deletion of 2 amino acid(s) in a non-repeat region; In silico analysis supports a deleterious effect on protein structure/function; Has not been previously published as pathogenic or benign to our knowledge

NM_001256012.3(MYH10):c.5522_5527del (p.Ser1841_Lys1842del)

Gene: MYH10 (myosin heavy chain 10; minus strand). Cytogenetic location: 17p13.1.
Variant type: Deletion.
Coding change: c.5522_5527del on transcript NM_001256012.3 (MANE Select); coding-DNA positions 5522 to 5527, 6 bases deleted (CTAAGT; older notation c.5522_5527delCTAAGT).
Protein change: p.Ser1841_Lys1842del.
Genome position (GRCh38, 1-based): chr17:8,480,180-8,480,185, ACTTAG deleted on the plus strand (CTAAGT on the coding strand, the reverse complement: MYH10 is on the minus strand); deleting any 6 consecutive bases within chr17:8,480,180-8,480,189 gives the same sequence; the c. name uses the placement nearest the transcript's 3' end. VCF-style (leftmost placement, unchanged base first): chr17-8480179-AACTTAG-A. GRCh37 (hg19) VCF-style: chr17-8383497-AACTTAG-A.
Other names: c.5456_5461del, p.Ser1819_Lys1820del (NM_001256095.2); c.5459_5464del, p.Ser1820_Lys1821del (NM_001375266.1); c.5429_5434del, p.Ser1810_Lys1811del (NM_005964.5).
Identifiers: ClinVar variation 4530786 (VCV004530786.2).